The following is an entry in ClinVar:

ClinVar aggregate classification (germline): Uncertain significance (1 of 4 stars; one submission).

Submission:

GeneDx
Classification: Uncertain significance. Last evaluated: 2022-07-28. Review status: criteria provided, single submitter. Criteria: GeneDx Variant Classification Process June 2021. Collection method: clinical testing. Allele origin: germline. Affected: yes.
Comment: Not observed at significant frequency in large population cohorts (gnomAD); In silico analysis supports that this missense variant does not alter protein structure/function; Has not been previously published as pathogenic or benign to our knowledge

NM_001318852.2(MAPK8IP3):c.2659G>A (p.Val887Ile)

Gene: MAPK8IP3 (mitogen-activated protein kinase 8 interacting protein 3; plus strand). Cytogenetic location: 16p13.3.
Variant type: single nucleotide variant.
Coding change: c.2659G>A on transcript NM_001318852.2 (MANE Select); coding-DNA position 2659, G replaced by A.
Protein change: p.Val887Ile; replaces valine 887 with isoleucine.
Molecular consequence: missense variant.
Genome position (GRCh38, 1-based): chr16:1,766,249, G>A. VCF-style: chr16-1766249-G-A. GRCh37 (hg19) VCF-style: chr16-1816250-G-A.
Other names: c.2638G>A, p.Val880Ile (NM_001040439.2); c.2656G>A, p.Val886Ile (NM_015133.5, NM_033392.3); short protein forms V880I, V886I, V887I.
Identifiers: ClinVar variation 2412880 (VCV002412880.3), dbSNP rs1443790859, ClinGen allele CA394236098.